The following is an entry in ClinVar:

NM_001384732.1(CPLANE1):c.3829dup (p.Cys1277fs)

Gene: CPLANE1 (ciliogenesis and planar polarity effector complex subunit 1; minus strand). Cytogenetic location: 5p13.2.
Variant type: Duplication.
Coding change: c.3829dup on transcript NM_001384732.1 (MANE Select); coding-DNA position 3829, one base duplicated (T; older notation c.3829dupT).
Protein change: p.Cys1277fs; shifts the reading frame from cysteine 1277.
Molecular consequence: frameshift variant.
Genome position (GRCh38, 1-based): chr5:37,187,825, A duplicated on the plus strand (T on the coding strand, the reverse complement: CPLANE1 is on the minus strand); the first of 3 consecutive A bases (chr5:37,187,825-37,187,827); duplicating any one gives the same sequence. VCF-style (leftmost placement, unchanged base first): chr5-37187824-C-CA. GRCh37 (hg19) VCF-style: chr5-37187926-C-CA.
Other names: c.3829dup, p.Cys1277fs (NM_023073.4); c.3829dup (NM_023073.3); short protein forms C1277fs.
Identifiers: ClinVar variation 1444291 (VCV001444291.7), dbSNP rs1784470848, ClinGen allele CA1075117043.
Genomic context (GRCh38, chr5:37,187,824, plus strand): 5'-TGATATTGCCTGCAACTATAGGATAACTTATCACGGACATGCAGCATCCAACACAGAGCA[C>CA]AAAGTTCTCTGAAGCAACCTAAAGCAGGAACACAAATATGAAAGAAAATCACATGAGTAT-3'

ClinVar aggregate classification (germline): Pathogenic/Likely pathogenic. Review status: criteria provided, multiple submitters, no conflicts (2 of 4 stars). 2 submissions from 2 submitters: Pathogenic (1); Likely pathogenic (1). Last evaluated 2024-05-26.

Conditions:
Orofaciodigital syndrome type 6 (OFD6). Also called: OROFACIODIGITAL SYNDROME VI; OFDS VI; POLYDACTYLY, CLEFT LIP/PALATE OR LINGUAL LUMP, AND PSYCHOMOTOR RETARDATION; VARADI SYNDROME; VARADI-PAPP SYNDROME; Oral-facial-digital syndrome type 6. Identifiers: Orphanet 2754, MedGen C2745997, MONDO:0010176, OMIM 277170.
Joubert syndrome 17 (JBTS17). Identifiers: Orphanet 475, MedGen C3553264, MONDO:0013824, OMIM 614615.

Submissions (2):

Fulgent Genetics
Classification: Likely pathogenic for Orofaciodigital syndrome type 6; Joubert syndrome 17. Last evaluated: 2024-05-26. Review status: criteria provided, single submitter. Criteria: ACMG Guidelines, 2015. Collection method: clinical testing. Allele origin: germline.

Labcorp Genetics (formerly Invitae), Labcorp
Classification: Pathogenic. Last evaluated: 2021-05-04. Review status: criteria provided, single submitter. Criteria: Invitae Variant Classification Sherloc (09022015). Collection method: clinical testing. Allele origin: germline.
Comment: For these reasons, this variant has been classified as Pathogenic. This variant has not been reported in the literature in individuals with CPLANE1-related conditions. This variant is not present in population databases (ExAC no frequency). This sequence change creates a premature translational stop signal (p.Cys1277Leufs*11) in the CPLANE1 gene. It is expected to result in an absent or disrupted protein product. Loss-of-function variants in CPLANE1 are known to be pathogenic (PMID: 24178751, 26092869).

Literature cited by the submitters: PubMed 24178751 (cited by Labcorp Genetics (formerly Invitae), Labcorp); PubMed 26092869 (cited by Labcorp Genetics (formerly Invitae), Labcorp).